The following is an entry in ClinVar:

NM_024685.4(BBS10):c.630A>G (p.Val210=)

Gene: BBS10 (Bardet-Biedl syndrome 10; minus strand). Cytogenetic location: 12q21.2.
Variant type: single nucleotide variant.
Coding change: c.630A>G on transcript NM_024685.4 (MANE Select); coding-DNA position 630, A replaced by G.
Protein change: p.Val210=; no amino-acid change (valine 210 retained).
Molecular consequence: synonymous variant.
Genome position (GRCh38, 1-based): chr12:76,347,355, T>C on the plus strand (A>G on the coding strand, the complement: BBS10 is on the minus strand). VCF-style: chr12-76347355-T-C. GRCh37 (hg19) VCF-style: chr12-76741135-T-C.
Other names: c.630A>G (NM_024685.3).
Identifiers: ClinVar variation 1581046 (VCV001581046.9), dbSNP rs759791957, ClinGen allele CA481011669.

ClinVar aggregate classification (germline): Likely benign. Review status: criteria provided, single submitter (1 of 4 stars). 2 submissions from 2 submitters: Likely benign (1). 1 of the submissions does not count toward it. Last evaluated 2021-11-13.

Conditions:
BBS10-related disorder. Also called: BBS10-related condition.
Bardet-Biedl syndrome (BBS). Identifiers: Orphanet 110, MedGen C0752166, MONDO:0015229.

gnomAD v4.1: 15 of 1,614,044 alleles (0.00093%); highest among the groups gnomAD compares: Non-Finnish European, 0.0011%; no homozygotes.

Submissions (2):

Labcorp Genetics (formerly Invitae), Labcorp
Classification: Likely benign for Bardet-Biedl syndrome. Last evaluated: 2021-11-13. Review status: criteria provided, single submitter. Criteria: Invitae Variant Classification Sherloc (09022015). Collection method: clinical testing. Allele origin: germline.

PreventionGenetics, part of Exact Sciences
Classification: Likely benign for BBS10-related condition. Last evaluated: 2021-05-11. Review status: no assertion criteria provided. Collection method: clinical testing. Allele origin: germline. Not counted in ClinVar's aggregate classification.
Comment: This variant is classified as likely benign based on ACMG/AMP sequence variant interpretation guidelines (Richards et al. 2015 PMID: 25741868, with internal and published modifications).